The following is an entry in ClinVar:

NM_000080.4(CHRNE):c.653_666del (p.His218fs)

Genes: C17orf107 (chromosome 17 open reading frame 107; plus strand), CHRNE (cholinergic receptor nicotinic epsilon subunit; minus strand). Cytogenetic location: 17p13.2.
Variant type: Deletion.
Coding change: c.653_666del on transcript NM_000080.4 (MANE Select); coding-DNA positions 653 to 666, 14 bases deleted (ACGGTGGCGCCACC).
Protein change: p.His218fs; shifts the reading frame from histidine 218.
Molecular consequence: frameshift variant. On other transcripts: 3 prime UTR variant (1).
Genome position (GRCh38, 1-based): chr17:4,901,126-4,901,139, GGTGGCGCCACCGT deleted on the plus strand (ACGGTGGCGCCACC on the coding strand, the reverse complement: CHRNE is on the minus strand); deleting any 14 consecutive bases within chr17:4,901,126-4,901,146 gives the same sequence; the c. name uses the placement nearest the transcript's 3' end. VCF-style (leftmost placement, unchanged base first): chr17-4901125-CGGTGGCGCCACCGT-C. GRCh37 (hg19) VCF-style: chr17-4804420-CGGTGGCGCCACCGT-C.
Other names: c.*600_*613del (NM_001145536.2); short protein forms H218fs.
Identifiers: ClinVar variation 5014811 (VCV005014811.1).
Genomic context (GRCh38, chr17:4,901,125, plus strand): 5'-AGAAGAGCGGCTTCCGGCGGATGATGAGCGAGTAGATGACGTCAGTCTCCCCTGGGCCGT[CGGTGGCGCCACCGT>C]GGTGGCGGCGGATCACCCCCGGGCAGAAGTCGATGGCCCACTCGCCGTTCTCTGCGGGAC-3'

ClinVar aggregate classification (germline): Pathogenic (1 of 4 stars; one submission).

Conditions:
Congenital myasthenic syndrome (CMS). Also called: Congenital Myasthenic Syndromes. Identifiers: Orphanet 590, MedGen C0751882, MeSH D020294, MONDO:0018940.

Submission:

Myriad Genetics, Inc.
Classification: Pathogenic for Congenital myasthenic syndrome. Last evaluated: 2025-08-03. Review status: criteria provided, single submitter. Criteria: Myriad Autosomal Dominant, Autosomal Recessive and X-Linked Classification Criteria (2023). Collection method: clinical testing. Allele origin: unknown.
Comment: NM_000080.3(CHRNE):c.653_666del14(H218Rfs*7) is expected to be pathogenic in the context of congenital myasthenic syndrome, CHRNE-related. This variant is predicted to lead to an abnormal or absent protein product due to the creation of a premature termination codon in CHRNE, a gene where loss-of-function variants are known to be pathogenic. Please note: this variant was assessed in the context of healthy population screening.